The following is an entry in ClinVar:

ClinVar aggregate classification (germline): Likely pathogenic (1 of 4 stars; one submission).

Conditions:
Congenital myasthenic syndrome 9. Also called: Myasthenic syndrome, congenital, 9, associated with acetylcholine receptor deficiency. Identifiers: Orphanet 590, MedGen C4225368, MONDO:0014587, OMIM 616325.
Fetal akinesia deformation sequence 1 (FADS1). Also called: Fetal akinesia sequence; Pena-Shokeir syndrome type I. Identifiers: Orphanet 994, MedGen C1276035, MONDO:0100101, OMIM 208150, HP:0001989.

Submission:

Labcorp Genetics (formerly Invitae), Labcorp
Classification: Likely pathogenic for Congenital myasthenic syndrome 9; Fetal akinesia deformation sequence 1. Last evaluated: 2023-07-10. Review status: criteria provided, single submitter. Criteria: Invitae Variant Classification Sherloc (09022015). Collection method: clinical testing. Allele origin: germline.
Comment: This variant is not present in population databases (gnomAD no frequency). This sequence change affects a donor splice site in intron 13 of the MUSK gene. It is expected to disrupt RNA splicing. Variants that disrupt the donor or acceptor splice site typically lead to a loss of protein function (PMID: 16199547), and loss-of-function variants in MUSK are known to be pathogenic (PMID: 8653786, 25612909, 25695962, 25900532). This variant has not been reported in the literature in individuals affected with MUSK-related conditions. In summary, the currently available evidence indicates that the variant is pathogenic, but additional data are needed to prove that conclusively. Therefore, this variant has been classified as Likely Pathogenic. Algorithms developed to predict the effect of sequence changes on RNA splicing suggest that this variant may disrupt the consensus splice site. ClinVar contains an entry for this variant (Variation ID: 1518061).

Literature cited by the submitters: PubMed 16199547; PubMed 8653786; PubMed 25612909; PubMed 25695962; PubMed 25900532.

NM_005592.4(MUSK):c.1778+1G>T

Gene: MUSK (muscle associated receptor tyrosine kinase; plus strand). Cytogenetic location: 9q31.3.
Variant type: single nucleotide variant.
Coding change: c.1778+1G>T on transcript NM_005592.4 (MANE Select); the canonical splice donor site of the intron after coding-DNA position 1778, G replaced by T.
Molecular consequence: splice donor variant.
Genome position (GRCh38, 1-based): chr9:110,785,719, G>T. VCF-style: chr9-110785719-G-T. GRCh37 (hg19) VCF-style: chr9-113547999-G-T.
Other names: c.1520+1G>T (NM_001166280.2); c.1490+1G>T (NM_001166281.2); c.518+1G>T (NM_001369398.1).
Identifiers: ClinVar variation 1518061 (VCV001518061.8), dbSNP rs2132026515, ClinGen allele CA374476013.